The following is an entry in ClinVar:

NM_001010942.3(RAP1B):c.11A>G (p.Tyr4Cys)

Gene: RAP1B (RAP1B, member of RAS oncogene family; plus strand). Cytogenetic location: 12q15.
Variant type: single nucleotide variant.
Coding change: c.11A>G on transcript NM_001010942.3 (MANE Select); coding-DNA position 11, A replaced by G.
Protein change: p.Tyr4Cys; replaces tyrosine 4 with cysteine.
Molecular consequence: missense variant.
Genome position (GRCh38, 1-based): chr12:68,648,735, A>G. VCF-style: chr12-68648735-A-G. GRCh37 (hg19) VCF-style: chr12-69042515-A-G.
Other names: c.11A>G, p.Tyr4Cys (NM_001251917.2, NM_001251918.2, NM_001251921.2 and 2 more transcripts); short protein forms Y4C.
Identifiers: ClinVar variation 3377234 (VCV003377234.1).

ClinVar aggregate classification (germline): Uncertain significance (1 of 4 stars; one submission).

Conditions:
Thrombocytopenia 11 with multiple congenital anomalies and dysmorphic facies (THC11). Identifiers: MedGen C5882734, MONDO:0958000, OMIM 620654.

Submission:

Victorian Clinical Genetics Services, Murdoch Childrens Research Institute
Classification: Uncertain significance for Thrombocytopenia 11 with multiple congenital anomalies and dysmorphic facies. Last evaluated: 2024-10-09. Review status: criteria provided, single submitter. Criteria: ACMG Guidelines, 2015. Collection method: clinical testing. Allele origin: germline. Inheritance: Autosomal dominant inheritance. Affected: yes.
Comment: Based on the classification scheme VCGS_Germline_v1.3.4, this variant is classified as VUS-3B. Following criteria are met: 0105 - The mechanism of disease for this gene is not clearly established. Gain of function has been postulated as a likely mechanism of disease associated with thrombocytopenia 11 with multiple congenital anomalies and dysmorphic facies (MIM#620654) as this is a common mechanism of disease in other RAS pathway genes; however no functional studies have been published for this gene (PMID: 32627184). (I) 0107 - This gene is associated with autosomal dominant disease. (I) 0200 - Variant is predicted to result in a missense amino acid change from tyrosine to cysteine. (I) 0251 - This variant is heterozygous. (I) 0301 - Variant is absent from gnomAD (both v2 and v3). (SP) 0501 - Missense variant consistently predicted to be damaging by multiple in silico tools or highly conserved with a major amino acid change. (SP) 0604 - Variant is not located in an established domain, motif, hotspot or informative constraint region. (I) 0705 - No comparable missense variants have previous evidence for pathogenicity. (I) 0807 - This variant has no previous evidence of pathogenicity. (I) 0905 - No published segregation evidence has been identified for this variant. (I) 1007 - No published functional evidence has been identified for this variant. (I) 1208 - Inheritance information for this variant is not currently available in this individual. (I) Legend: (SP) - Supporting pathogenic, (I) - Information, (SB) - Supporting benign

Literature cited by the submitters: PubMed 32627184.